The following is an entry in ClinVar:

ClinVar aggregate classification (germline): Uncertain significance. Review status: criteria provided, multiple submitters, no conflicts (2 of 4 stars). 10 submissions from 10 submitters: Uncertain significance (9). 1 of the submissions does not count toward it. Last evaluated 2026-05-12.

Conditions:
POLE-related disorder. Also called: POLE-related disorders; POLE-related condition.
Hereditary cancer-predisposing syndrome. Also called: Neoplastic Syndromes, Hereditary; Tumor predisposition; Hereditary Cancer Syndrome; Hereditary neoplastic syndrome. Identifiers: Orphanet 140162, MedGen C0027672, MeSH D009386, MONDO:0015356.
Colorectal cancer, susceptibility to, 12 (CRCS12). Also called: COLORECTAL CANCER, SUSCEPTIBILITY TO, ON CHROMOSOME 12q24. Identifiers: Orphanet 220460, MedGen C3554460, MONDO:0014038, OMIM 615083.

Allele frequency attached by ClinVar (database versions not stated): gnomAD exomes below 0.00001 and 0.00001; TOPMed 0.00001.
gnomAD v4.1: 8 of 1,598,012 alleles (0.0005%); highest among the groups gnomAD compares: Admixed American, 0.0017%; no homozygotes.

Submissions (10):

PreventionGenetics, part of Exact Sciences
Classification: Uncertain significance for POLE-related condition. Last evaluated: 2026-05-12. Review status: criteria provided, single submitter. Criteria: ACMG Guidelines, 2015. Collection method: clinical testing. Allele origin: germline.
Comment: The POLE c.1016A>T variant is predicted to result in the amino acid substitution p.Asp339Val. To our knowledge, this variant has not been reported in the literature. This variant is reported in 0.0030% of alleles in individuals of Latino descent in gnomAD, and is interpreted as a variant of uncertain significance in ClinVar (Variation ID: 405828). At this time, the clinical significance of this variant is uncertain due to the absence of conclusive functional and genetic evidence.

Labcorp Genetics (formerly Invitae), Labcorp
Classification: Uncertain significance. Last evaluated: 2026-02-03. Review status: criteria provided, single submitter. Criteria: Invitae Variant Classification Sherloc (09022015). Collection method: clinical testing. Allele origin: germline.
Comment: This sequence change replaces aspartic acid, which is acidic and polar, with valine, which is neutral and non-polar, at codon 339 of the POLE protein (p.Asp339Val). The frequency data for this variant in the population databases is considered unreliable, as metrics indicate poor data quality at this position in the gnomAD database. This variant has not been reported in the literature in individuals affected with POLE-related conditions. ClinVar contains an entry for this variant (Variation ID: 405828). Invitae Evidence Modeling of protein sequence and biophysical properties (such as structural, functional, and spatial information, amino acid conservation, physicochemical variation, residue mobility, and thermodynamic stability) indicates that this missense variant is expected to disrupt POLE protein function with a positive predictive value of 80%. In summary, the available evidence is currently insufficient to determine the role of this variant in disease. Therefore, it has been classified as a Variant of Uncertain Significance.

Ambry Genetics
Classification: Uncertain significance for Hereditary cancer-predisposing syndrome. Last evaluated: 2026-01-07. Review status: criteria provided, single submitter. Criteria: Ambry Variant Classification Scheme 2023. Collection method: clinical testing. Allele origin: germline.
Comment: The p.D339V variant (also known as c.1016A>T), located in coding exon 10 of the POLE gene, results from an A to T substitution at nucleotide position 1016. The aspartic acid at codon 339 is replaced by valine, an amino acid with highly dissimilar properties. This amino acid position is highly conserved in available vertebrate species. In addition, the in silico prediction for this alteration is inconclusive. Based on the available evidence, the clinical significance of this variant remains unclear.

GeneDx
Classification: Uncertain significance. Last evaluated: 2024-11-05. Review status: criteria provided, single submitter. Criteria: GeneDx Variant Classification Process June 2021. Collection method: clinical testing. Allele origin: germline. Affected: yes.
Comment: Not observed at significant frequency in large population cohorts (gnomAD); In silico analysis supports that this missense variant has a deleterious effect on protein structure/function; Observed in a patient suspected of having Hereditary Breast and Ovarian Cancer (PMID: 38136308); This variant is associated with the following publications: (PMID: 20951805, 38136308, 29056344)

Blueprint Genetics
Classification: Uncertain significance. Last evaluated: 2024-10-23. Review status: criteria provided, single submitter. Criteria: ACMG Guidelines, 2015. Collection method: clinical testing. Allele origin: germline.

Baylor Genetics
Classification: Uncertain significance for Colorectal cancer, susceptibility to, 12. Last evaluated: 2024-03-07. Review status: criteria provided, single submitter. Criteria: ACMG Guidelines, 2015. Collection method: clinical testing. Allele origin: unknown.

Myriad Genetics, Inc.
Classification: Uncertain significance for Colorectal cancer, susceptibility to, 12. Last evaluated: 2023-04-19. Review status: criteria provided, single submitter. Criteria: Myriad Autosomal Dominant, Autosomal Recessive and X-Linked Classification Criteria (2023). Collection method: clinical testing. Allele origin: unknown.
Comment: This variant is classified as a variant of uncertain significance as there is insufficient evidence to determine its impact on protein function and/or cancer risk.

Women's Health and Genetics/Laboratory Corporation of America, LabCorp
Classification: Uncertain significance. Last evaluated: 2019-04-18. Review status: criteria provided, single submitter. Criteria: LabCorp Variant Classification Summary - May 2015. Collection method: clinical testing. Allele origin: germline.
Comment: Variant summary: POLE c.1016A>T (p.Asp339Val) results in a non-conservative amino acid change located in the exonuclease domain (IPR006133) of the encoded protein sequence. Four of five in-silico tools predict a damaging effect of the variant on protein function. The variant allele was found at a frequency of 4.1e-06 in 245574 control chromosomes (gnomAD). The available data on variant occurrences in the general population are insufficient to allow any conclusion about variant significance. To our knowledge, no occurrence of c.1016A>T in individuals affected with Colorectal Cancer and no experimental evidence demonstrating its impact on protein function have been reported. Four clinical diagnostic laboratories have submitted clinical-significance assessments for this variant to ClinVar after 2014 without evidence for independent evaluation. All laboratories classified the variant as uncertain significance. Based on the evidence outlined above, the variant was classified as uncertain significance.

Quest Diagnostics Nichols Institute San Juan Capistrano
Classification: Uncertain significance. Last evaluated: 2019-02-21. Review status: criteria provided, single submitter. Criteria: Quest Diagnostics criteria. Collection method: clinical testing. Allele origin: germline.

Counsyl
Classification: Uncertain significance for Colorectal cancer, susceptibility to, 12. Last evaluated: 2018-04-17. Review status: no assertion criteria provided. Collection method: clinical testing. Allele origin: unknown. Not counted in ClinVar's aggregate classification.

NM_006231.4(POLE):c.1016A>T (p.Asp339Val)

Gene: POLE (DNA polymerase epsilon, catalytic subunit; minus strand). Cytogenetic location: 12q24.33.
Variant type: single nucleotide variant.
Coding change: c.1016A>T on transcript NM_006231.4 (MANE Select); coding-DNA position 1016, A replaced by T.
Protein change: p.Asp339Val; replaces aspartic acid 339 with valine.
Molecular consequence: missense variant.
Genome position (GRCh38, 1-based): chr12:132,676,098, T>A on the plus strand (A>T on the coding strand, the complement: POLE is on the minus strand). VCF-style: chr12-132676098-T-A. GRCh37 (hg19) VCF-style: chr12-133252684-T-A.
Other names: short protein forms D339V.
Identifiers: ClinVar variation 405828 (VCV000405828.30), dbSNP rs1060500865, ClinGen allele CA16613908.